The following is an entry in ClinVar:

ClinVar aggregate classification (germline): Uncertain significance (1 of 4 stars; one submission).

Conditions:
Polyhydramnios, megalencephaly, and symptomatic epilepsy (PMSE). Also called: PMSE SYNDROME. Identifiers: Orphanet 500533, MedGen C1970203, MONDO:0012611, OMIM 611087.

Allele frequency attached by ClinVar (database versions not stated): gnomAD exomes below 0.00001.
gnomAD v4.1: 1 of 1,613,822 alleles (0.000062%); highest among the groups gnomAD compares: Non-Finnish European, 0.000085%; no homozygotes.

Submission:

Labcorp Genetics (formerly Invitae), Labcorp
Classification: Uncertain significance for Polyhydramnios, megalencephaly, and symptomatic epilepsy. Last evaluated: 2019-10-28. Review status: criteria provided, single submitter. Criteria: Invitae Variant Classification Sherloc (09022015). Collection method: clinical testing. Allele origin: germline.
Comment: In summary, the available evidence is currently insufficient to determine the role of this variant in disease. Therefore, it has been classified as a Variant of Uncertain Significance. Nucleotide substitutions within the consensus splice site are a relatively common cause of aberrant splicing (PMID: 17576681, 9536098). Algorithms developed to predict the effect of sequence changes on RNA splicing suggest that this variant may disrupt the consensus splice site, but this prediction has not been confirmed by published transcriptional studies. This variant has not been reported in the literature in individuals with STRADA-related disease. This variant is not present in population databases (ExAC no frequency). This sequence change affects an acceptor splice site in the last intron (intron 12) of the STRADA gene. While this is not anticipated to result in nonsense mediated decay, it likely alters RNA splicing and results in a disrupted protein product.

Literature cited by the submitters: PubMed 17576681; PubMed 9536098.

NM_001003787.4(STRADA):c.1144-1G>A

Gene: STRADA (STE20 related adaptor alpha; minus strand). Cytogenetic location: 17q23.3.
Variant type: single nucleotide variant.
Coding change: c.1144-1G>A on transcript NM_001003787.4 (MANE Select); the canonical splice acceptor site of the intron before coding-DNA position 1144, G replaced by A.
Molecular consequence: splice acceptor variant. On other transcripts: 3 prime UTR variant (4).
Genome position (GRCh38, 1-based): chr17:63,703,752, C>T on the plus strand (G>A on the coding strand, the complement: STRADA is on the minus strand). VCF-style: chr17-63703752-C-T. GRCh37 (hg19) VCF-style: chr17-61781112-C-T.
Other names: c.*1127G>A (NM_001411083.1, NM_001411084.1); c.*1138G>A (NM_001411085.1); c.*531G>A (NM_153335.6); c.*21-1G>A (NM_001363789.1, NM_001165969.2, NM_001165970.2 and 2 more transcripts); c.1033-1G>A (NM_001003786.3); c.836-1G>A (NM_001363790.1); c.1120-1G>A (NM_001363786.1); c.1057-1G>A (NM_001363787.1); and 1 more.
Identifiers: ClinVar variation 572622 (VCV000572622.9), dbSNP rs1568168453, ClinGen allele CA400585825.